The following is an entry in ClinVar:

ClinVar aggregate classification (germline): Conflicting classifications of pathogenicity. Review status: criteria provided, conflicting classifications (1 of 4 stars). 2 submissions from 2 submitters: Uncertain significance (1); Likely benign (1). Last evaluated 2026-09-21.

Submissions (2):

Molecular Diagnostic Laboratory for Inherited Cardiovascular Disease, Montreal Heart Institute
Classification: Likely benign. Last evaluated: 2026-09-21. Review status: criteria provided, single submitter. Criteria: ACMG Guidelines, 2015. Collection method: clinical testing. Allele origin: germline. Affected: no.
Comment: BP1

Women's Health and Genetics/Laboratory Corporation of America, LabCorp
Classification: Uncertain significance. Last evaluated: 2024-07-30. Review status: criteria provided, single submitter. Criteria: LabCorp Variant Classification Summary - May 2015. Collection method: clinical testing. Allele origin: germline.
Comment: Variant summary: TTN c.68170G>C (p.Glu22724Gln) results in a conservative amino acid change located in the A-band of the encoded protein sequence. Two of four in-silico tools predict a benign effect of the variant on protein function. The variant was absent in 248068 control chromosomes. The available data on variant occurrences in the general population are insufficient to allow any conclusion about variant significance. To our knowledge, no occurrence of c.68170G>C in individuals affected with Limb-Girdle Muscular Dystrophy, Type 2J and no experimental evidence demonstrating its impact on protein function have been reported. No submitters have cited clinical-significance assessments for this variant to ClinVar. Based on the evidence outlined above, the variant was classified as uncertain significance.

NM_001267550.2(TTN):c.75874G>C (p.Glu25292Gln)

Genes: TTN (titin; minus strand), TTN-AS1 (TTN antisense RNA 1; plus strand). Cytogenetic location: 2q31.2.
Variant type: single nucleotide variant.
Coding change: c.75874G>C on transcript NM_001267550.2 (MANE Select); coding-DNA position 75874, G replaced by C.
Protein change: p.Glu25292Gln; replaces glutamic acid 25292 with glutamine.
Molecular consequence: missense variant.
Genome position (GRCh38, 1-based): chr2:178,570,258, C>G on the plus strand (G>C on the coding strand, the complement: TTN is on the minus strand). VCF-style: chr2-178570258-C-G. GRCh37 (hg19) VCF-style: chr2-179434985-C-G.
Other names: c.70951G>C, p.Glu23651Gln (NM_001256850.1); c.48679G>C, p.Glu16227Gln (NM_003319.4); c.68170G>C, p.Glu22724Gln (NM_133378.4); c.49054G>C, p.Glu16352Gln (NM_133432.3); c.49255G>C, p.Glu16419Gln (NM_133437.4); short protein forms E16227Q, E16352Q, E16419Q, E22724Q, E23651Q, E25292Q.
Identifiers: ClinVar variation 3339231 (VCV003339231.2), dbSNP rs1015604651.